The following is an entry in ClinVar:

NM_024824.5(ZC3H14):c.1038_1045dup (p.Gln349fs)

Gene: ZC3H14 (zinc finger CCCH-type containing 14; plus strand). Cytogenetic location: 14q31.3.
Variant type: Duplication.
Coding change: c.1038_1045dup on transcript NM_024824.5 (MANE Select); coding-DNA positions 1038 to 1045, 8 bases duplicated (TTCTAAAC; older notation c.1038_1045dupTTCTAAAC).
Protein change: p.Gln349fs; shifts the reading frame from glutamine 349.
Molecular consequence: frameshift variant. On other transcripts: non-coding transcript variant (1).
Genome position (GRCh38, 1-based): chr14:88,575,855-88,575,862, TTCTAAAC duplicated; duplicating any 8 consecutive bases within chr14:88,575,854-88,575,862 gives the same sequence; the c. name uses the placement nearest the transcript's 3' end. VCF-style (leftmost placement, unchanged base first): chr14-88575853-C-CCTTCTAAA. GRCh37 (hg19) VCF-style: chr14-89042197-C-CCTTCTAAA.
Other names: c.1038_1045dup, p.Gln349fs (NM_001160103.2, NM_001160104.2, NM_001326295.2 and 9 more transcripts); c.936_943dup, p.Gln315fs (NM_001326297.2, NM_001326315.2, NM_001326316.2 and 3 more transcripts); c.573_580dup, p.Gln194fs (NM_001326300.2, NM_001326311.2, NM_001326314.2 and 5 more transcripts); short protein forms Q194fs, Q315fs, Q349fs.
Identifiers: ClinVar variation 4886361 (VCV004886361.2).

ClinVar aggregate classification (germline): Uncertain significance (1 of 4 stars; one submission).

Submission:

Dasa
Classification: Uncertain significance. Last evaluated: 2025-09-16. Review status: criteria provided, single submitter. Criteria: DASA Assertion Criteria. Collection method: clinical testing. Allele origin: germline.
Comment: NM_024824.5(ZC3H14):c.1038_1045dup (p.Gln349Leufs*9) is a frameshift variant in ZC3H14 predicted to alter the reading frame and introduce a premature termination codon. This variant is absent from population databases. The currently available literature and clinical evidence are not sufficient to establish a definitive association between this variant and the reported condition. Therefore, this variant is classified as a variant of uncertain significance.